The following is an entry in ClinVar:

NM_005247.4(FGF3):c.86C>A (p.Ala29Glu)

Genes: FGF3 (fibroblast growth factor 3; minus strand), LOC109115964 (FGF3 5' regulatory region; plus strand). Cytogenetic location: 11q13.3.
Variant type: single nucleotide variant.
Coding change: c.86C>A on transcript NM_005247.4 (MANE Select); coding-DNA position 86, C replaced by A.
Protein change: p.Ala29Glu; replaces alanine 29 with glutamic acid.
Molecular consequence: missense variant.
Genome position (GRCh38, 1-based): chr11:69,818,848, G>T on the plus strand (C>A on the coding strand, the complement: FGF3 is on the minus strand). VCF-style: chr11-69818848-G-T. GRCh37 (hg19) VCF-style: chr11-69633616-G-T.
Other names: short protein forms A29E.
Identifiers: ClinVar variation 4257186 (VCV004257186.2).

ClinVar aggregate classification (germline): Uncertain significance. Review status: criteria provided, multiple submitters, no conflicts (2 of 4 stars). 2 submissions from 2 submitters: Uncertain significance (2). Last evaluated 2025-07-31.

Conditions:
FGF3-related disorder. Also called: FGF3-related condition.
Inborn genetic diseases. Identifiers: MedGen C0950123, MeSH D030342.

gnomAD v4.1: 34 of 1,469,860 alleles (0.0023%); highest among the groups gnomAD compares: Admixed American, 0.0096%; 1 homozygote.

Submissions (2):

Ambry Genetics
Classification: Uncertain significance for Inborn genetic diseases. Last evaluated: 2025-07-31. Review status: criteria provided, single submitter. Criteria: Ambry Variant Classification Scheme 2023. Collection method: clinical testing. Allele origin: germline.

PreventionGenetics, part of Exact Sciences
Classification: Uncertain significance for FGF3-related condition. Last evaluated: 2025-07-23. Review status: criteria provided, single submitter. Criteria: ACMG Guidelines, 2015. Collection method: clinical testing. Allele origin: germline.
Comment: The FGF3 c.86C>A variant is predicted to result in the amino acid substitution p.Ala29Glu. To our knowledge, this variant has not been reported in the literature. This variant is reported in 0.047% of alleles in individuals of Ashkenazi Jewish descent in gnomAD. At this time, the clinical significance of this variant is uncertain due to the absence of conclusive functional and genetic evidence.